The following is an entry in ClinVar:

NM_000465.4(BARD1):c.2120C>G (p.Pro707Arg)

Gene: BARD1 (BRCA1 associated RING domain 1; minus strand). Cytogenetic location: 2q35.
Variant type: single nucleotide variant.
Coding change: c.2120C>G on transcript NM_000465.4 (MANE Select); coding-DNA position 2120, C replaced by G.
Protein change: p.Pro707Arg; replaces proline 707 with arginine.
Molecular consequence: missense variant. On other transcripts: non-coding transcript variant (3).
Genome position (GRCh38, 1-based): chr2:214,728,890, G>C on the plus strand (C>G on the coding strand, the complement: BARD1 is on the minus strand). VCF-style: chr2-214728890-G-C. GRCh37 (hg19) VCF-style: chr2-215593614-G-C.
Other names: c.2063C>G, p.Pro688Arg (NM_001282543.2); c.767C>G, p.Pro256Arg (NM_001282545.2); c.710C>G, p.Pro237Arg (NM_001282548.2); c.581C>G, p.Pro194Arg (NM_001282549.2); short protein forms P688R, P237R, P256R, P194R, P707R.
Identifiers: ClinVar variation 2825601 (VCV002825601.3), dbSNP rs1574703290, ClinGen allele CA350450570.

ClinVar aggregate classification (germline): Uncertain significance (1 of 4 stars; one submission).

Conditions:
Familial cancer of breast. Also called: Hereditary breast cancer; BREAST CANCER, FAMILIAL; hereditary breast carcinoma. Identifiers: Orphanet 227535, MedGen C0346153, MONDO:0016419, OMIM 114480. Disease mechanism: loss of function.

Submission:

Labcorp Genetics (formerly Invitae), Labcorp
Classification: Uncertain significance for Familial cancer of breast. Last evaluated: 2022-12-31. Review status: criteria provided, single submitter. Criteria: Invitae Variant Classification Sherloc (09022015). Collection method: clinical testing. Allele origin: germline.
Comment: In summary, the available evidence is currently insufficient to determine the role of this variant in disease. Therefore, it has been classified as a Variant of Uncertain Significance. Algorithms developed to predict the effect of missense changes on protein structure and function (SIFT, PolyPhen-2, Align-GVGD) all suggest that this variant is likely to be disruptive. This variant has not been reported in the literature in individuals affected with BARD1-related conditions. This variant is not present in population databases (gnomAD no frequency). This sequence change replaces proline, which is neutral and non-polar, with arginine, which is basic and polar, at codon 707 of the BARD1 protein (p.Pro707Arg).